The following is an entry in ClinVar:

ClinVar aggregate classification (germline): Uncertain significance. Review status: criteria provided, single submitter (1 of 4 stars). 2 submissions from 2 submitters: Uncertain significance (1). 1 of the submissions does not count toward it. Last evaluated 2025-08-02.

Conditions:
RALGAPB-related disorder. Also called: RALGAPB-related condition.

Allele frequency attached by ClinVar (database versions not stated): gnomAD exomes 0.00003; ExAC 0.00014; gnomAD 0.00039; TOPMed 0.00044; 1000 Genomes Project 30x 0.00047; 1000 Genomes Project 0.00060; ESP Exome Variant Server 0.00069.
gnomAD v4.1: 104 of 1,612,096 alleles (0.0065%); highest among the groups gnomAD compares: African/African-American, 0.11%; no homozygotes.

Submissions (2):

Ambry Genetics
Classification: Uncertain significance. Last evaluated: 2025-08-02. Review status: criteria provided, single submitter. Criteria: Ambry Variant Classification Scheme 2023. Collection method: clinical testing. Allele origin: germline.

PreventionGenetics, part of Exact Sciences
Classification: Likely benign for RALGAPB-related condition. Last evaluated: 2023-02-27. Review status: no assertion criteria provided. Collection method: clinical testing. Allele origin: germline. Not counted in ClinVar's aggregate classification.
Comment: This variant is classified as likely benign based on ACMG/AMP sequence variant interpretation guidelines (Richards et al. 2015 PMID: 25741868, with internal and published modifications).

NM_020336.4(RALGAPB):c.4049G>A (p.Arg1350His)

Gene: RALGAPB (Ral GTPase activating protein non-catalytic subunit beta; plus strand). Cytogenetic location: 20q11.23.
Variant type: single nucleotide variant.
Coding change: c.4049G>A on transcript NM_020336.4 (MANE Select); coding-DNA position 4049, G replaced by A.
Protein change: p.Arg1350His; replaces arginine 1350 with histidine.
Molecular consequence: missense variant.
Genome position (GRCh38, 1-based): chr20:38,569,982, G>A. VCF-style: chr20-38569982-G-A. GRCh37 (hg19) VCF-style: chr20-37198625-G-A.
Other names: c.4049G>A (NM_020336.2); c.4049G>A, p.Arg1350His (NM_001282917.2); c.4040G>A, p.Arg1347His (NM_001282918.2); short protein forms R1347H, R1350H.
Identifiers: ClinVar variation 3051615 (VCV003051615.3), dbSNP rs147384010, ClinGen allele CA9854638.